The following is an entry in ClinVar:

NM_001386140.1(MTTP):c.1109A>T (p.Asp370Val)

Gene: MTTP (microsomal triglyceride transfer protein; plus strand). Cytogenetic location: 4q23.
Variant type: single nucleotide variant.
Coding change: c.1109A>T on transcript NM_001386140.1 (MANE Select); coding-DNA position 1109, A replaced by T.
Protein change: p.Asp370Val; replaces aspartic acid 370 with valine.
Molecular consequence: missense variant.
Genome position (GRCh38, 1-based): chr4:99,600,606, A>T. VCF-style: chr4-99600606-A-T. GRCh37 (hg19) VCF-style: chr4-100521763-A-T.
Other names: c.1109A>T, p.Asp370Val (NM_000253.4); c.860A>T, p.Asp287Val (NM_001300785.2); c.1109A>T (NM_000253.2); short protein forms D287V, D370V.
Identifiers: ClinVar variation 1420738 (VCV001420738.4), dbSNP rs764946610, ClinGen allele CA3022034.

ClinVar aggregate classification (germline): Uncertain significance. Review status: criteria provided, multiple submitters, no conflicts (2 of 4 stars). 2 submissions from 2 submitters: Uncertain significance (2). Last evaluated 2024-10-28.

Conditions:
Inborn genetic diseases. Identifiers: MedGen C0950123, MeSH D030342.

Allele frequency attached by ClinVar (database versions not stated): ExAC 0.00001; gnomAD exomes below 0.00001; gnomAD 0.00001; TOPMed 0.00001.
gnomAD v4.1: 3 of 1,613,520 alleles (0.00019%); highest among the groups gnomAD compares: South Asian, 0.0011%; no homozygotes.

Submissions (2):

Ambry Genetics
Classification: Uncertain significance for Inborn genetic diseases. Last evaluated: 2024-10-28. Review status: criteria provided, single submitter. Criteria: Ambry Variant Classification Scheme 2023. Collection method: clinical testing. Allele origin: germline.

Labcorp Genetics (formerly Invitae), Labcorp
Classification: Uncertain significance. Last evaluated: 2021-11-12. Review status: criteria provided, single submitter. Criteria: Invitae Variant Classification Sherloc (09022015). Collection method: clinical testing. Allele origin: germline.
Comment: This sequence change replaces aspartic acid, which is acidic and polar, with valine, which is neutral and non-polar, at codon 370 of the MTTP protein (p.Asp370Val). This variant is present in population databases (rs764946610, gnomAD 0.002%). This variant has not been reported in the literature in individuals affected with MTTP-related conditions. Algorithms developed to predict the effect of missense changes on protein structure and function (SIFT, PolyPhen-2, Align-GVGD) all suggest that this variant is likely to be tolerated. In summary, the available evidence is currently insufficient to determine the role of this variant in disease. Therefore, it has been classified as a Variant of Uncertain Significance.